The following is an entry in ClinVar:

ClinVar aggregate classification (germline): Uncertain significance (1 of 4 stars; one submission).

Submission:

GeneDx
Classification: Uncertain significance. Last evaluated: 2020-07-06. Review status: criteria provided, single submitter. Criteria: GeneDx Variant Classification Process June 2021. Collection method: clinical testing. Allele origin: germline. Affected: yes.
Comment: Not observed in large population cohorts (Lek et al., 2016); In silico analysis supports that this missense variant does not alter protein structure/function; Has not been previously published as pathogenic or benign to our knowledge

NM_003491.4(NAA10):c.625A>G (p.Ser209Gly)

Gene: NAA10 (N-alpha-acetyltransferase 10, NatA catalytic subunit; minus strand). Cytogenetic location: Xq28.
Variant type: single nucleotide variant.
Coding change: c.625A>G on transcript NM_003491.4 (MANE Select); coding-DNA position 625, A replaced by G.
Protein change: p.Ser209Gly; replaces serine 209 with glycine.
Molecular consequence: missense variant.
Genome position (GRCh38, 1-based): chrX:153,930,070, T>C on the plus strand (A>G on the coding strand, the complement: NAA10 is on the minus strand). VCF-style: chrX-153930070-T-C. GRCh37 (hg19) VCF-style: chrX-153195523-T-C.
Other names: c.580A>G, p.Ser194Gly (NM_001256119.2); c.607A>G, p.Ser203Gly (NM_001256120.2); short protein forms S194G, S203G, S209G.
Identifiers: ClinVar variation 1312890 (VCV001312890.2), dbSNP rs2148533812, ClinGen allele CA415152900.